The following is an entry in ClinVar:

ClinVar aggregate classification (germline): Uncertain significance. Review status: criteria provided, multiple submitters, no conflicts (2 of 4 stars). 2 submissions from 2 submitters: Uncertain significance (2). Last evaluated 2025-06-26.

Conditions:
MYO3A-related disorder. Also called: MYO3A-related condition.

Allele frequency attached by ClinVar (database versions not stated): gnomAD exomes 0.00001; ExAC 0.00002; TOPMed 0.00002; gnomAD 0.00003.
gnomAD v4.1: 24 of 1,613,852 alleles (0.0015%); highest among the groups gnomAD compares: Non-Finnish European, 0.0019%; no homozygotes.

Submissions (2):

GeneDx
Classification: Uncertain significance. Last evaluated: 2025-06-26. Review status: criteria provided, single submitter. Criteria: GeneDx Variant Classification Process June 2021. Collection method: clinical testing. Allele origin: germline.
Comment: In silico analysis supports that this missense variant has a deleterious effect on protein structure/function; Has not been previously published as pathogenic or benign to our knowledge

PreventionGenetics, part of Exact Sciences
Classification: Uncertain significance for MYO3A-related condition. Last evaluated: 2024-11-01. Review status: criteria provided, single submitter. Criteria: ACMG Guidelines, 2015. Collection method: clinical testing. Allele origin: germline.
Comment: The MYO3A c.2089T>G variant is predicted to result in the amino acid substitution p.Leu697Val. To our knowledge, this variant has not been reported in the literature. This variant is reported in 0.0026% of alleles in individuals of European (Non-Finnish) descent in gnomAD. At this time, the clinical significance of this variant is uncertain due to the absence of conclusive functional and genetic evidence.

NM_017433.5(MYO3A):c.2089T>G (p.Leu697Val)

Gene: MYO3A (myosin IIIA; plus strand). Cytogenetic location: 10p12.1.
Variant type: single nucleotide variant.
Coding change: c.2089T>G on transcript NM_017433.5 (MANE Select); coding-DNA position 2089, T replaced by G.
Protein change: p.Leu697Val; replaces leucine 697 with valine.
Molecular consequence: missense variant.
Genome position (GRCh38, 1-based): chr10:26,125,583, T>G. VCF-style: chr10-26125583-T-G. GRCh37 (hg19) VCF-style: chr10-26414512-T-G.
Other names: short protein forms L697V.
Identifiers: ClinVar variation 299661 (VCV000299661.8), dbSNP rs753357658, ClinGen allele CA5444857.